The following is an entry in ClinVar:

ClinVar aggregate classification (germline): Uncertain significance (1 of 4 stars; one submission).

Conditions:
Cardiomyopathy (CMYO). Also called: Cardiomyopathies. Identifiers: Orphanet 167848, MedGen C0878544, MONDO:0004994, HP:0001638. Inheritance: Various modes of inheritance.

Submission:

Color Diagnostics, LLC DBA Color Health
Classification: Uncertain significance for Cardiomyopathy. Last evaluated: 2024-03-06. Review status: criteria provided, single submitter. Criteria: ACMG Guidelines, 2015. Collection method: clinical testing. Allele origin: germline.
Comment: This missense variant replaces alanine with serine at codon 174 of the PKP2 protein. Computational prediction suggests that this variant may not impact protein structure and function (internally defined REVEL score threshold <= 0.5, PMID: 27666373). To our knowledge, functional studies have not been reported for this variant. This variant has not been reported in individuals affected with cardiovascular disorders in the literature. This variant has not been identified in the general population by the Genome Aggregation Database (gnomAD). The available evidence is insufficient to determine the role of this variant in disease conclusively. Therefore, this variant is classified as a Variant of Uncertain Significance.

NM_001005242.3(PKP2):c.520G>T (p.Ala174Ser)

Gene: PKP2 (plakophilin 2; minus strand). Cytogenetic location: 12p11.21.
Variant type: single nucleotide variant.
Coding change: c.520G>T on transcript NM_001005242.3 (MANE Select); coding-DNA position 520, G replaced by T.
Protein change: p.Ala174Ser; replaces alanine 174 with serine.
Molecular consequence: missense variant.
Genome position (GRCh38, 1-based): chr12:32,878,360, C>A on the plus strand (G>T on the coding strand, the complement: PKP2 is on the minus strand). VCF-style: chr12-32878360-C-A. GRCh37 (hg19) VCF-style: chr12-33031294-C-A.
Other names: c.520G>T, p.Ala174Ser (NM_004572.4); short protein forms A174S.
Identifiers: ClinVar variation 1171596 (VCV001171596.3), dbSNP rs2137949857, ClinGen allele CA384364754.
Genomic context (GRCh38, chr12:32,878,360, plus strand): 5'-ATCTCGGTGGCACTAGGAGGGCGGCCCGCCTGCTTTCTTGGTGGTGCAGGGTGTGCCCAG[C>A]CTGGCTTCTCTGGCTGTACTGGTAATCGCTGTGCGTGTAGTGAGCCCTCTCCGGGCTGCT-3'
Protein context (NP_001005242.2, residues 164-184): SDYQYSQRSQ[Ala174Ser]GHTLHHQESR